The following is an entry in ClinVar:

ClinVar aggregate classification (germline): Uncertain significance. Review status: criteria provided, multiple submitters, no conflicts (2 of 4 stars). 5 submissions from 5 submitters: Uncertain significance (4). 1 of the submissions does not count toward it. Last evaluated 2026-07-15.

Conditions:
VPS13B-related disorder. Also called: VPS13B-related condition.
Cohen syndrome (COH1). Also called: PEPPER SYNDROME; Cutis verticis gyrata, retinitis pigmentosa, and sensorineural deafness. Identifiers: Orphanet 193, MedGen C0265223, MONDO:0008999, OMIM 216550.

Allele frequency attached by ClinVar (database versions not stated): TOPMed 0.00002.
gnomAD v4.1: 24 of 1,613,804 alleles (0.0015%); highest among the groups gnomAD compares: Non-Finnish European, 0.0019%; no homozygotes.

Submissions (5):

PreventionGenetics, part of Exact Sciences
Classification: Uncertain significance for VPS13B-related condition. Last evaluated: 2026-07-15. Review status: criteria provided, single submitter. Criteria: ACMG Guidelines, 2015. Collection method: clinical testing. Allele origin: germline.
Comment: The VPS13B c.3751A>T variant is predicted to result in the amino acid substitution p.Thr1251Ser. To our knowledge, this variant has not been reported in the literature. This variant is reported in 0.00088% of alleles in individuals of European (Non-Finnish) descent in gnomAD. At this time, the clinical significance of this variant is uncertain due to the absence of conclusive functional and genetic evidence.

Blueprint Genetics
Classification: Uncertain significance. Last evaluated: 2022-09-14. Review status: criteria provided, single submitter. Criteria: ACMG Guidelines, 2015. Collection method: clinical testing. Allele origin: germline.

Labcorp Genetics (formerly Invitae), Labcorp
Classification: Uncertain significance for Cohen syndrome. Last evaluated: 2022-07-01. Review status: criteria provided, single submitter. Criteria: Invitae Variant Classification Sherloc (09022015). Collection method: clinical testing. Allele origin: germline.
Comment: This sequence change replaces threonine, which is neutral and polar, with serine, which is neutral and polar, at codon 1251 of the VPS13B protein (p.Thr1251Ser). This variant is present in population databases (rs184693266, gnomAD 0.0009%). This variant has not been reported in the literature in individuals affected with VPS13B-related conditions. ClinVar contains an entry for this variant (Variation ID: 95850). Algorithms developed to predict the effect of missense changes on protein structure and function output the following: SIFT: "Not Available"; PolyPhen-2: "Benign"; Align-GVGD: "Not Available". The serine amino acid residue is found in multiple mammalian species, which suggests that this missense change does not adversely affect protein function. In summary, the available evidence is currently insufficient to determine the role of this variant in disease. Therefore, it has been classified as a Variant of Uncertain Significance.

Eurofins Ntd Llc (ga)
Classification: Uncertain significance. Last evaluated: 2013-04-23. Review status: criteria provided, single submitter. Criteria: EGL Classification Definitions 2015. Collection method: clinical testing. Allele origin: germline. Observed: 1 variant allele, 1 heterozygote.

Counsyl
Classification: Uncertain significance for Cohen syndrome. Last evaluated: 2017-11-09. Review status: no assertion criteria provided. Collection method: clinical testing. Allele origin: unknown. Not counted in ClinVar's aggregate classification.

NM_152564.5(VPS13B):c.3751A>T (p.Thr1251Ser)

Gene: VPS13B (vacuolar protein sorting 13 homolog B; plus strand). Cytogenetic location: 8q22.2.
Variant type: single nucleotide variant.
Coding change: c.3751A>T on transcript NM_152564.5 (MANE Select); coding-DNA position 3751, A replaced by T.
Protein change: p.Thr1251Ser; replaces threonine 1251 with serine.
Molecular consequence: missense variant.
Genome position (GRCh38, 1-based): chr8:99,481,683, A>T. VCF-style: chr8-99481683-A-T. GRCh37 (hg19) VCF-style: chr8-100493911-A-T.
Other names: c.3751A>T, p.Thr1251Ser (NM_017890.5); c.3751A>T (NM_152564.4); short protein forms T1251S.
Identifiers: ClinVar variation 95850 (VCV000095850.11), dbSNP rs184693266, ClinGen allele CA223437.